The following is an entry in ClinVar:

NM_000397.4(CYBB):c.1675C>T (p.Arg559Trp)

Gene: CYBB (cytochrome b-245 beta chain; plus strand). Cytogenetic location: Xp11.4.
Variant type: single nucleotide variant.
Coding change: c.1675C>T on transcript NM_000397.4 (MANE Select); coding-DNA position 1675, C replaced by T.
Protein change: p.Arg559Trp; replaces arginine 559 with tryptophan.
Molecular consequence: missense variant.
Genome position (GRCh38, 1-based): chrX:37,810,879, C>T. VCF-style: chrX-37810879-C-T. GRCh37 (hg19) VCF-style: chrX-37670132-C-T.
Other names: short protein forms R559W.
Identifiers: ClinVar variation 1398403 (VCV001398403.6), dbSNP rs760298475, ClinGen allele CA10383930.

ClinVar aggregate classification (germline): Uncertain significance (1 of 4 stars; one submission).

Conditions:
Granulomatous disease, chronic, X-linked. Also called: CYTOCHROME b-NEGATIVE GRANULOMATOUS DISEASE, CHRONIC, X-LINKED; GRANULOMATOUS DISEASE, CHRONIC, X-LINKED, SOMATIC MOSAIC. Identifiers: Orphanet 379, MedGen C1844376, MONDO:0010600, OMIM 306400.

Allele frequency attached by ClinVar (database versions not stated): gnomAD 0.00001 and 0.00002; gnomAD exomes 0.00001 and 0.00005; TOPMed 0.00003; ExAC 0.00005.
gnomAD v4.1: 15 of 1,206,075 alleles (0.0012%); highest among the groups gnomAD compares: Admixed American, 0.018%; no homozygotes.

Submission:

Labcorp Genetics (formerly Invitae), Labcorp
Classification: Uncertain significance for Granulomatous disease, chronic, X-linked. Last evaluated: 2025-08-24. Review status: criteria provided, single submitter. Criteria: Invitae Variant Classification Sherloc (09022015). Collection method: clinical testing. Allele origin: germline.
Comment: This sequence change replaces arginine, which is basic and polar, with tryptophan, which is neutral and slightly polar, at codon 559 of the CYBB protein (p.Arg559Trp). This variant is present in population databases (rs760298475, gnomAD 0.03%), including at least one homozygous and/or hemizygous individual. This variant has not been reported in the literature in individuals affected with CYBB-related conditions. ClinVar contains an entry for this variant (Variation ID: 1398403). Invitae Evidence Modeling of protein sequence and biophysical properties (such as structural, functional, and spatial information, amino acid conservation, physicochemical variation, residue mobility, and thermodynamic stability) indicates that this missense variant is expected to disrupt CYBB protein function with a positive predictive value of 80%. In summary, the available evidence is currently insufficient to determine the role of this variant in disease. Therefore, it has been classified as a Variant of Uncertain Significance.